The following is an entry in ClinVar:

NM_024747.6(HPS6):c.1675A>G (p.Asn559Asp)

Gene: HPS6 (HPS6 biogenesis of lysosomal organelles complex 2 subunit 3; plus strand). Cytogenetic location: 10q24.32.
Variant type: single nucleotide variant.
Coding change: c.1675A>G on transcript NM_024747.6 (MANE Select); coding-DNA position 1675, A replaced by G.
Protein change: p.Asn559Asp; replaces asparagine 559 with aspartic acid.
Molecular consequence: missense variant.
Genome position (GRCh38, 1-based): chr10:102,067,149, A>G. VCF-style: chr10-102067149-A-G. GRCh37 (hg19) VCF-style: chr10-103826906-A-G.
Other names: short protein forms N559D.
Identifiers: ClinVar variation 2135122 (VCV002135122.4), dbSNP rs2540988349, ClinGen allele CA377870544.
Genomic context (GRCh38, chr10:102,067,149, plus strand): 5'-GCACCCCCTGATGTGTGGAAGAAAGTGTTAGGGGGAATAACCGCTGGAAAGGAACCCCCC[A>G]ATGGAATACTGCCCCCCTTTGAACTCCTGTGCCAGTGTCTGTGCCAGCTGGAGCCTCGAT-3'
Protein context (NP_079023.2, residues 549-569): GGITAGKEPP[Asn559Asp]GILPPFELLC

ClinVar aggregate classification (germline): Uncertain significance (1 of 4 stars; one submission).

Allele frequency attached by ClinVar (database versions not stated): gnomAD exomes below 0.00001.
gnomAD v4.1: 1 of 1,613,812 alleles (0.000062%); highest among the groups gnomAD compares: Non-Finnish European, 0.000085%; no homozygotes.

Submission:

Labcorp Genetics (formerly Invitae), Labcorp
Classification: Uncertain significance. Last evaluated: 2023-11-27. Review status: criteria provided, single submitter. Criteria: Invitae Variant Classification Sherloc (09022015). Collection method: clinical testing. Allele origin: germline.
Comment: This sequence change replaces asparagine, which is neutral and polar, with aspartic acid, which is acidic and polar, at codon 559 of the HPS6 protein (p.Asn559Asp). This variant is not present in population databases (gnomAD no frequency). This variant has not been reported in the literature in individuals affected with HPS6-related conditions. ClinVar contains an entry for this variant (Variation ID: 2135122). Advanced modeling of protein sequence and biophysical properties (such as structural, functional, and spatial information, amino acid conservation, physicochemical variation, residue mobility, and thermodynamic stability) performed at Invitae indicates that this missense variant is not expected to disrupt HPS6 protein function with a negative predictive value of 80%. In summary, the available evidence is currently insufficient to determine the role of this variant in disease. Therefore, it has been classified as a Variant of Uncertain Significance.